The following is an entry in ClinVar:

ClinVar aggregate classification (germline): Uncertain significance (1 of 4 stars; one submission).

Allele frequency attached by ClinVar (database versions not stated): gnomAD 0.00001; TOPMed 0.00001.
gnomAD v4.1: 17 of 1,613,900 alleles (0.0011%); highest among the groups gnomAD compares: African/African-American, 0.0027%; no homozygotes.

Submission:

Labcorp Genetics (formerly Invitae), Labcorp
Classification: Uncertain significance. Last evaluated: 2022-08-09. Review status: criteria provided, single submitter. Criteria: Invitae Variant Classification Sherloc (09022015). Collection method: clinical testing. Allele origin: germline.
Comment: This sequence change replaces arginine, which is basic and polar, with histidine, which is basic and polar, at codon 3598 of the VPS13C protein (p.Arg3598His). This variant is not present in population databases (gnomAD no frequency). This variant has not been reported in the literature in individuals affected with VPS13C-related conditions. Algorithms developed to predict the effect of missense changes on protein structure and function are either unavailable or do not agree on the potential impact of this missense change (SIFT: "Deleterious"; PolyPhen-2: "Probably Damaging"; Align-GVGD: "Class C0"). In summary, the available evidence is currently insufficient to determine the role of this variant in disease. Therefore, it has been classified as a Variant of Uncertain Significance.

NM_020821.3(VPS13C):c.10793G>A (p.Arg3598His)

Gene: VPS13C (vacuolar protein sorting 13 homolog C; minus strand). Cytogenetic location: 15q22.2.
Variant type: single nucleotide variant.
Coding change: c.10793G>A on transcript NM_020821.3 (MANE Select); coding-DNA position 10793, G replaced by A.
Protein change: p.Arg3598His; replaces arginine 3598 with histidine.
Molecular consequence: missense variant.
Genome position (GRCh38, 1-based): chr15:61,868,729, C>T on the plus strand (G>A on the coding strand, the complement: VPS13C is on the minus strand). VCF-style: chr15-61868729-C-T. GRCh37 (hg19) VCF-style: chr15-62160928-C-T.
Other names: c.10793G>A, p.Arg3598His (NM_001018088.3); c.10664G>A, p.Arg3555His (NM_017684.5, NM_018080.4); short protein forms R3555H, R3598H.
Identifiers: ClinVar variation 1955638 (VCV001955638.5), dbSNP rs1033240534, ClinGen allele CA271888660.